The following is an entry in ClinVar:

ClinVar aggregate classification (germline): Benign (1 of 4 stars; one submission).

Allele frequency attached by ClinVar (database versions not stated): gnomAD 0.03135 and 0.03319; 1000 Genomes Project 0.03335; 1000 Genomes Project 30x 0.03357; TOPMed 0.03576.
gnomAD v4.1: 4,736 of 152,292 alleles (3.1%); highest among the groups gnomAD compares: African/African-American, 9.6%; 201 homozygotes.

Submission:

GeneDx
Classification: Benign. Last evaluated: 2018-06-14. Review status: criteria provided, single submitter. Criteria: GeneDx Variant Classification (06012015). Collection method: clinical testing. Allele origin: germline. Affected: yes.
Comment: This variant is considered likely benign or benign based on one or more of the following criteria: it is a conservative change, it occurs at a poorly conserved position in the protein, it is predicted to be benign by multiple in silico algorithms, and/or has population frequency not consistent with disease.

NM_003978.5(PSTPIP1):c.516+160G>A

Gene: PSTPIP1 (proline-serine-threonine phosphatase interacting protein 1; plus strand). Cytogenetic location: 15q24.3.
Variant type: single nucleotide variant.
Coding change: c.516+160G>A on transcript NM_003978.5 (MANE Select); 160 bases into the intron after coding-DNA position 516, G replaced by A.
Molecular consequence: intron variant.
Genome position (GRCh38, 1-based): chr15:77,028,812, G>A. VCF-style: chr15-77028812-G-A. GRCh37 (hg19) VCF-style: chr15-77321153-G-A.
Other names: c.711+160G>A (NM_001321137.1); c.489+160G>A (NM_001321136.2); c.516+160G>A (NM_001321135.2).
Identifiers: ClinVar variation 677775 (VCV000677775.1), dbSNP rs80152051, ClinGen allele CA273755724.
Genomic context (GRCh38, chr15:77,028,812, plus strand): 5'-TGGGGATGCTGCTTAGCCCTCTCTGACCCCCAATCTCCCCATCTGTGAAATGGGTTTCCT[G>A]GAGAGAACCTCAGGCCATGGACAGGCAGGTCAGCTGGATCCCCTTTGCCACCGTCAGGCG-3'